The following is an entry in ClinVar:

NM_007294.4(BRCA1):c.5151C>T (p.Phe1717=)

Gene: BRCA1 (BRCA1 DNA repair associated; minus strand). Cytogenetic location: 17q21.31.
Variant type: single nucleotide variant.
Coding change: c.5151C>T on transcript NM_007294.4 (MANE Select); coding-DNA position 5151, C replaced by T.
Protein change: p.Phe1717=; no amino-acid change (phenylalanine 1717 retained).
Molecular consequence: synonymous variant. On other transcripts: intron variant (2).
Genome position (GRCh38, 1-based): chr17:43,063,875, G>A on the plus strand (C>T on the coding strand, the complement: BRCA1 is on the minus strand). VCF-style: chr17-43063875-G-A. GRCh37 (hg19) VCF-style: chr17-41215892-G-A.
Other names: c.4938C>T, p.Phe1646= (NM_001407571.1, NM_001407894.1, NM_001407895.1 and 12 more transcripts); c.5217C>T, p.Phe1739= (NM_001407581.1, NM_001407582.1); c.5214C>T, p.Phe1738= (NM_001407583.1, NM_001407585.1, NM_001407587.1 and 1 more transcripts); c.5211C>T, p.Phe1737= (NM_001407590.1, NM_001407591.1); c.5151C>T, p.Phe1717= (NM_001407593.1, NM_001407594.1, NM_001407596.1 and 7 more transcripts); c.5148C>T, p.Phe1716= (NM_001407610.1, NM_001407611.1, NM_001407612.1 and 17 more transcripts); c.5145C>T, p.Phe1715= (NM_001407627.1, NM_001407628.1, NM_001407629.1 and 14 more transcripts); c.5142C>T, p.Phe1714= (NM_001407644.1, NM_001407645.1); and 73 more.
Identifiers: ClinVar variation 865028 (VCV000865028.6), dbSNP rs2051906420, ClinGen allele CA500146130.
Genomic context (GRCh38, chr17:43,063,875, plus strand): 5'-TGTAAAAATGCAATTCTGAGGTGTTAAAGGGAGGAGGGGAGAAATAGTATTATACTTACA[G>A]AAATAGCTAACTACCCATTTTCCTCCCGCAATTCCTAGAAAATATTTCAGTGTCCGTTCA-3'
Protein context (NP_009225.1, residues 1707-1727): IAGGKWVVSY[Phe1717=]WVTQSIKERK

ClinVar aggregate classification (germline): Conflicting classifications of pathogenicity. Review status: criteria provided, conflicting classifications (1 of 4 stars). 3 submissions from 3 submitters: Uncertain significance (2); Likely benign (1). Last evaluated 2024-03-19.

Conditions:
Hereditary cancer-predisposing syndrome. Also called: Tumor predisposition; Hereditary Cancer Syndrome; Hereditary neoplastic syndrome; Neoplastic Syndromes, Hereditary. Identifiers: Orphanet 140162, MedGen C0027672, MeSH D009386, MONDO:0015356.

Submissions (4):

Ambry Genetics
Classification: Likely benign for Hereditary cancer-predisposing syndrome. Last evaluated: 2024-03-19. Review status: criteria provided, single submitter. Criteria: Ambry Variant Classification Scheme 2023. Collection method: clinical testing. Allele origin: germline.

Quest Diagnostics Nichols Institute San Juan Capistrano
Classification: Uncertain significance. Last evaluated: 2021-05-26. Review status: criteria provided, single submitter. Criteria: Quest Diagnostics criteria. Collection method: clinical testing. Allele origin: unknown.

Women's Health and Genetics/Laboratory Corporation of America, LabCorp
Classification: Uncertain significance. Last evaluated: 2020-05-05. Review status: criteria provided, single submitter. Criteria: LabCorp Variant Classification Summary - May 2015. Collection method: clinical testing. Allele origin: germline.
Comment: Variant summary: BRCA1 c.5151C>T (p.Phe1717Phe) alters a non-conserved nucleotide located close to a canonical splice site and therefore could affect mRNA splicing, leading to a significantly altered protein sequence. 4/4 computational tools predict no significant impact on normal splicing. However, these predictions have yet to be confirmed by functional studies. The variant was absent in 251212 control chromosomes (gnomAD). The available data on variant occurrences in the general population are insufficient to allow any conclusion about variant significance. To our knowledge, no occurrence of c.5151C>T in individuals affected with Hereditary Breast And Ovarian Cancer Syndrome and no experimental evidence demonstrating its impact on protein function have been reported. At least one co-occurrence with another pathogenic variant has been internally reported (BRCA1 c.5152+5G>T), providing supporting evidence for a benign role. No clinical diagnostic laboratories have submitted clinical-significance assessments for this variant to ClinVar after 2014. Based on the evidence outlined above, the variant was classified as VUS-possibly benign.

Brotman Baty Institute, University of Washington
No classification provided (evidence only). Condition: Breast-ovarian cancer, familial 1. Review status: no classification provided. Collection method: in vitro. Allele origin: not applicable. Functional consequence: functionally_normal. Not counted in ClinVar's aggregate classification.
ClinVar note: "not provided" was previously submitted as the classification for the variant. However, the classification appeared to be based only on an observation of functional data so it was converted to no classification on 2025-07-30.

Literature cited by the submitters: PubMed 30209399 (cited by Quest Diagnostics Nichols Institute San Juan Capistrano).